The following is an entry in ClinVar:

NM_058163.3(TSR2):c.138G>C (p.Leu46=)

Gene: TSR2 (TSR2 ribosome maturation factor; plus strand). Cytogenetic location: Xp11.22.
Variant type: single nucleotide variant.
Coding change: c.138G>C on transcript NM_058163.3 (MANE Select); coding-DNA position 138, G replaced by C.
Protein change: p.Leu46=; no amino-acid change (leucine 46 retained).
Molecular consequence: synonymous variant. On other transcripts: 5 prime UTR variant (2), intron variant (1).
Genome position (GRCh38, 1-based): chrX:54,440,746, G>C. VCF-style: chrX-54440746-G-C. GRCh37 (hg19) VCF-style: chrX-54467179-G-C.
Other names: c.138G>C, p.Leu46= (NM_001346789.2); c.-250G>C (NM_001346790.2); c.-259G>C (NM_001346791.2); c.-114+244G>C (NM_001346792.2).
Identifiers: ClinVar variation 2191008 (VCV002191008.4), dbSNP rs1352936815, ClinGen allele CA516591049.

ClinVar aggregate classification (germline): Uncertain significance (1 of 4 stars; one submission).

Allele frequency attached by ClinVar (database versions not stated): gnomAD exomes below 0.00001; gnomAD 0.00006; TOPMed 0.00006.

Submission:

Labcorp Genetics (formerly Invitae), Labcorp
Classification: Uncertain significance. Last evaluated: 2023-08-04. Review status: criteria provided, single submitter. Criteria: Invitae Variant Classification Sherloc (09022015). Collection method: clinical testing. Allele origin: germline.
Comment: In summary, the available evidence is currently insufficient to determine the role of this variant in disease. Therefore, it has been classified as a Variant of Uncertain Significance. ClinVar contains an entry for this variant (Variation ID: 2191008). This variant has not been reported in the literature in individuals affected with TSR2-related conditions. This variant is present in population databases (no rsID available, gnomAD 0.004%). This sequence change affects codon 46 of the TSR2 mRNA. It is a 'silent' change, meaning that it does not change the encoded amino acid sequence of the TSR2 protein.